The following is an entry in ClinVar:

NM_004738.5(VAPB):c.*3566A>T

Gene: VAPB (VAMP associated protein B and C; plus strand). Cytogenetic location: 20q13.32.
Variant type: single nucleotide variant.
Coding change: c.*3566A>T on transcript NM_004738.5 (MANE Select); 3566 bases downstream of the stop codon, A replaced by T.
Molecular consequence: 3 prime UTR variant. On other transcripts: non-coding transcript variant (1).
Genome position (GRCh38, 1-based): chr20:58,447,801, A>T. VCF-style: chr20-58447801-A-T. GRCh37 (hg19) VCF-style: chr20-57022857-A-T.
Other names: c.*3636A>T (NM_001195677.2).
Identifiers: ClinVar variation 338977 (VCV000338977.6), dbSNP rs114038495, ClinGen allele CA9924545.

ClinVar aggregate classification (germline): Likely benign. Review status: criteria provided, single submitter (1 of 4 stars). 2 submissions from 1 submitter: Likely benign (2). Last evaluated 2018-01-13.

Conditions:
Adult-onset proximal spinal muscular atrophy, autosomal dominant. Also called: FINKEL LATE-ADULT TYPE SMA; Spinal muscular atrophy, late-onset, finkel type. Identifiers: Orphanet 209335, MedGen C1854058, MONDO:0008453, OMIM 182980.
Amyotrophic lateral sclerosis type 8 (ALS8). Identifiers: Orphanet 803, MedGen C1837728, MONDO:0012077, OMIM 608627.

Allele frequency attached by ClinVar (database versions not stated): ExAC 0.00009; 1000 Genomes Project 0.00100; gnomAD 0.00133 and 0.00142; TOPMed 0.00140; 1000 Genomes Project 30x 0.00141.
gnomAD v4.1: 257 of 454,082 alleles (0.057%); highest among the groups gnomAD compares: African/African-American, 0.48%; no homozygotes.

Submissions (2):

Illumina Laboratory Services, Illumina
Classification: Likely benign for Amyotrophic lateral sclerosis type 8. Last evaluated: 2018-01-13. Review status: criteria provided, single submitter. Criteria: ICSL Variant Classification Criteria 13 December 2019. Collection method: clinical testing. Allele origin: germline.
Comment: This variant was observed in the ICSL laboratory as part of a predisposition screen in an ostensibly healthy population. It had not been previously curated by ICSL or reported in the Human Gene Mutation Database (HGMD: prior to June 1st, 2018), and was therefore a candidate for classification through an automated scoring system. Utilizing variant allele frequency, disease prevalence and penetrance estimates, and inheritance mode, an automated score was calculated to assess if this variant is too frequent to cause the disease. Based on the score and internal cut-off values, a variant classified as likely benign is not then subjected to further curation. The score for this variant resulted in a classification of likely benign for this disease.

Illumina Laboratory Services, Illumina
Classification: Likely benign for Adult-onset proximal spinal muscular atrophy, autosomal dominant. Last evaluated: 2018-01-13. Review status: criteria provided, single submitter. Criteria: ICSL Variant Classification Criteria 13 December 2019. Collection method: clinical testing. Allele origin: germline.
Comment: the same text as in the submission from Illumina Laboratory Services, Illumina above.